The following is an entry in ClinVar:

NM_012418.4(FSCN2):c.5C>G (p.Pro2Arg)

Gene: FSCN2 (fascin actin-bundling protein 2, retinal; plus strand). Cytogenetic location: 17q25.3.
Variant type: single nucleotide variant.
Coding change: c.5C>G on transcript NM_012418.4 (MANE Select); coding-DNA position 5, C replaced by G.
Protein change: p.Pro2Arg; replaces proline 2 with arginine.
Molecular consequence: missense variant.
Genome position (GRCh38, 1-based): chr17:81,528,536, C>G. VCF-style: chr17-81528536-C-G. GRCh37 (hg19) VCF-style: chr17-79495562-C-G.
Other names: c.5C>G, p.Pro2Arg (NM_001077182.3); short protein forms P2R.
Identifiers: ClinVar variation 4711351 (VCV004711351.1).
Genomic context (GRCh38, chr17:81,528,536, plus strand): 5'-CGTGAGCACTCAGAGGGCGCATCCCAGGCCCCTCCGGGGACCCGGCCAGCCTGAAGATGC[C>G]GACGAACGGCCTGCACCAGGTGCTGAAGATCCAGTTTGGCCTCGTCAACGACACTGACCG-3'
Protein context (NP_036550.1, residues 1-12): M[Pro2Arg]TNGLHQVLKI

ClinVar aggregate classification (germline): Uncertain significance (1 of 4 stars; one submission).

gnomAD v4.1: 3 of 1,590,088 alleles (0.00019%); highest among the groups gnomAD compares: East Asian, 0.0023%; no homozygotes.

Submission:

Labcorp Genetics (formerly Invitae), Labcorp
Classification: Uncertain significance. Last evaluated: 2025-08-04. Review status: criteria provided, single submitter. Criteria: Invitae Variant Classification Sherloc (09022015). Collection method: clinical testing. Allele origin: germline.
Comment: This sequence change replaces proline, which is neutral and non-polar, with arginine, which is basic and polar, at codon 2 of the FSCN2 protein (p.Pro2Arg). This variant is not present in population databases (gnomAD no frequency). This variant has not been reported in the literature in individuals affected with FSCN2-related conditions. An algorithm developed to predict the effect of missense changes on protein structure and function (PolyPhen-2) suggests that this variant is likely to be disruptive. In summary, the available evidence is currently insufficient to determine the role of this variant in disease. Therefore, it has been classified as a Variant of Uncertain Significance.